The following is an entry in ClinVar:

ClinVar aggregate classification (germline): Uncertain significance (1 of 4 stars; one submission).

Allele frequency attached by ClinVar (database versions not stated): gnomAD exomes below 0.00001; TOPMed below 0.00001.
gnomAD v4.1: 1 of 1,536,572 alleles (0.000065%); highest among the groups gnomAD compares: Admixed American, 0.002%; no homozygotes.

Submission:

Labcorp Genetics (formerly Invitae), Labcorp
Classification: Uncertain significance. Last evaluated: 2022-11-04. Review status: criteria provided, single submitter. Criteria: Invitae Variant Classification Sherloc (09022015). Collection method: clinical testing. Allele origin: germline.
Comment: In summary, the available evidence is currently insufficient to determine the role of this variant in disease. Therefore, it has been classified as a Variant of Uncertain Significance. Experimental studies and prediction algorithms are not available or were not evaluated, and the functional significance of this variant is currently unknown. This variant has not been reported in the literature in individuals affected with MAGEL2-related conditions. This variant is present in population databases (no rsID available, gnomAD 0.004%). This sequence change replaces proline, which is neutral and non-polar, with leucine, which is neutral and non-polar, at codon 302 of the MAGEL2 protein (p.Pro302Leu).

NM_019066.5(MAGEL2):c.905C>T (p.Pro302Leu)

Gene: MAGEL2 (MAGE family member L2; minus strand). Cytogenetic location: 15q11.2.
Variant type: single nucleotide variant.
Coding change: c.905C>T on transcript NM_019066.5 (MANE Select); coding-DNA position 905, C replaced by T.
Protein change: p.Pro302Leu; replaces proline 302 with leucine.
Molecular consequence: missense variant.
Genome position (GRCh38, 1-based): chr15:23,646,838, G>A on the plus strand (C>T on the coding strand, the complement: MAGEL2 is on the minus strand). VCF-style: chr15-23646838-G-A. GRCh37 (hg19) VCF-style: chr15-23891985-G-A.
Other names: short protein forms P302L.
Identifiers: ClinVar variation 2812011 (VCV002812011.3), dbSNP rs1185098787, ClinGen allele CA391335581.